The following is an entry in ClinVar:

NM_001415.4(EIF2S3):c.867+4A>G

Gene: EIF2S3 (eukaryotic translation initiation factor 2 subunit gamma; plus strand). Cytogenetic location: Xp22.11.
Variant type: single nucleotide variant.
Coding change: c.867+4A>G on transcript NM_001415.4 (MANE Select); 4 bases into the intron after coding-DNA position 867, A replaced by G.
Molecular consequence: intron variant.
Genome position (GRCh38, 1-based): chrX:24,066,096, A>G. VCF-style: chrX-24066096-A-G. GRCh37 (hg19) VCF-style: chrX-24084213-A-G.
Identifiers: ClinVar variation 2231648 (VCV002231648.2), dbSNP rs2518577447, ClinGen allele CA2580100505.

ClinVar aggregate classification (germline): Uncertain significance (1 of 4 stars; one submission).

Conditions:
Inborn genetic diseases. Identifiers: MedGen C0950123, MeSH D030342.

Submission:

Ambry Genetics
Classification: Uncertain significance for Inborn genetic diseases. Last evaluated: 2021-06-29. Review status: criteria provided, single submitter. Criteria: Ambry Variant Classification Scheme 2023. Collection method: clinical testing. Allele origin: germline.
Comment: The c.867+4A>G intronic alteration consists of a A to G substitution nucleotides after coding exon 8 in the EIF2S3 gene. Based on insufficient or conflicting evidence, the clinical significance of this alteration remains unclear.